The following is an entry in ClinVar:

ClinVar aggregate classification (germline): Benign/Likely benign. Review status: criteria provided, multiple submitters, no conflicts (2 of 4 stars). 10 submissions from 10 submitters: Benign (3); Likely benign (7). Last evaluated 2026-01-27.

Conditions:
Muscular dystrophy-dystroglycanopathy (congenital with brain and eye anomalies), type A, 7. Also called: WALKER-WARBURG SYNDROME OR MUSCLE-EYE-BRAIN DISEASE, ISPD-RELATED; Congenital muscular dystrophy-dystroglycanopathy with brain and eye anomalies, type A7. Identifiers: Orphanet 899, MedGen C3553330, MONDO:0013835, OMIM 614643.
Autosomal recessive limb-girdle muscular dystrophy type 2U. Also called: Muscular dystrophy-dystroglycanopathy (limb-girdle), type c, 7; MUSCULAR DYSTROPHY, LIMB-GIRDLE, TYPE 2U. Identifiers: Orphanet 352479, MedGen C5190987, MONDO:0014474, OMIM 616052.

Allele frequency attached by ClinVar (database versions not stated): gnomAD exomes 0.00032; 1000 Genomes Project 30x 0.00172; 1000 Genomes Project 0.00180; ExAC 0.00250; gnomAD 0.00299; TOPMed 0.00303.
gnomAD v4.1: 763 of 1,314,636 alleles (0.058%); highest among the groups gnomAD compares: African/African-American, 1%; 4 homozygotes.

Submissions (10):

Labcorp Genetics (formerly Invitae), Labcorp
Classification: Benign for Muscular dystrophy-dystroglycanopathy (congenital with brain and eye anomalies), type A, 7; Autosomal recessive limb-girdle muscular dystrophy type 2U. Last evaluated: 2026-01-27. Review status: criteria provided, single submitter. Criteria: Invitae Variant Classification Sherloc (09022015). Collection method: clinical testing. Allele origin: germline.

Ambry Genetics
Classification: Likely benign. Last evaluated: 2025-11-13. Review status: criteria provided, single submitter. Criteria: Ambry Variant Classification Scheme 2023. Collection method: clinical testing. Allele origin: germline.

CeGaT Center for Human Genetics Tuebingen
Classification: Likely benign. Last evaluated: 2025-11-01. Review status: criteria provided, single submitter. Criteria: CeGaT Center For Human Genetics Tuebingen Variant Classification Criteria Version 2. Collection method: clinical testing. Allele origin: germline. Affected: yes. Observed: 2 variant alleles.
Comment: CRPPA: BS1

Mayo Clinic Laboratories, Mayo Clinic
Classification: Likely benign. Last evaluated: 2025-03-25. Review status: criteria provided, single submitter. Criteria: ACMG Guidelines, 2015. Collection method: clinical testing. Allele origin: germline. Observed: 5 variant alleles.
Comment: BS1, BS2_supporting

Blueprint Genetics
Classification: Likely benign. Last evaluated: 2024-11-01. Review status: criteria provided, single submitter. Criteria: ACMG Guidelines, 2015. Collection method: clinical testing. Allele origin: germline.

Athena Diagnostics
Classification: Benign. Last evaluated: 2019-11-08. Review status: criteria provided, single submitter. Criteria: Athena Diagnostics Criteria. Collection method: clinical testing. Allele origin: unknown.

GeneDx
Classification: Benign. Last evaluated: 2019-10-14. Review status: criteria provided, single submitter. Criteria: GeneDx Variant Classification Process June 2021. Collection method: clinical testing. Allele origin: germline. Affected: yes.
Comment: This variant is associated with the following publications: (PMID: 30564623)

Eurofins Ntd Llc (ga)
Classification: Likely benign. Last evaluated: 2016-10-21. Review status: criteria provided, single submitter. Criteria: EGL Classification Definitions 2015. Collection method: clinical testing. Allele origin: germline. Observed: 5 variant alleles, 5 heterozygotes.

Breakthrough Genomics
Classification: Likely benign. Review status: criteria provided, single submitter. Criteria: ACMG Guidelines, 2015. Collection method: not provided. Allele origin: germline. Inheritance: Autosomal recessive inheritance. Affected: yes.

PreventionGenetics, part of Exact Sciences
Classification: Likely benign. Review status: criteria provided, single submitter. Criteria: ACMG Guidelines, 2015. Collection method: clinical testing. Allele origin: germline.

NM_001101426.4(CRPPA):c.67G>T (p.Gly23Cys)

Genes: CRPPA (CDP-L-ribitol pyrophosphorylase A; minus strand), LOC129998005 (ATAC-STARR-seq lymphoblastoid silent region 17982; plus strand). Cytogenetic location: 7p21.2.
Variant type: single nucleotide variant.
Coding change: c.67G>T on transcript NM_001101426.4 (MANE Select); coding-DNA position 67, G replaced by T.
Protein change: p.Gly23Cys; replaces glycine 23 with cysteine.
Molecular consequence: missense variant. On other transcripts: non-coding transcript variant (1).
Genome position (GRCh38, 1-based): chr7:16,421,256, C>A on the plus strand (G>T on the coding strand, the complement: CRPPA is on the minus strand). VCF-style: chr7-16421256-C-A. GRCh37 (hg19) VCF-style: chr7-16460881-C-A.
Other names: p.Gly23Cys; c.67G>T, p.Gly23Cys (NM_001101417.4, NM_001368197.1); short protein forms G23C.
Identifiers: ClinVar variation 257463 (VCV000257463.31), dbSNP rs187484645, ClinGen allele CA4169658.